The following is an entry in ClinVar:

NM_004371.4(COPA):c.2263+3A>G

Gene: COPA (coat protein complex I subunit alpha; minus strand). Cytogenetic location: 1q23.2.
Variant type: single nucleotide variant.
Coding change: c.2263+3A>G on transcript NM_004371.4 (MANE Select); 3 bases into the intron after coding-DNA position 2263, A replaced by G.
Molecular consequence: intron variant.
Genome position (GRCh38, 1-based): chr1:160,297,340, T>C on the plus strand (A>G on the coding strand, the complement: COPA is on the minus strand). VCF-style: chr1-160297340-T-C. GRCh37 (hg19) VCF-style: chr1-160267130-T-C.
Other names: c.2290+3A>G (NM_001098398.2).
Identifiers: ClinVar variation 2750152 (VCV002750152.3), dbSNP rs1658449638, ClinGen allele CA1202261386.
Genomic context (GRCh38, chr1:160,297,340, plus strand): 5'-TCAACAAAAACAGAAAAATACTTCCTCAGACCCTGAAAAAGCTGGCAAGTCTCGGATACT[T>C]ACTCTGTCCACAGTTCTTCAGGATCCGCACACGCTCTGACACATCACCCAGGTATAGGGC-3'

ClinVar aggregate classification (germline): Uncertain significance (1 of 4 stars; one submission).

Conditions:
Autoimmune interstitial lung disease-arthritis syndrome. Also called: Autoinflammation and autoimmunity, systemic, with immune dysregulation. Identifiers: Orphanet 444092, MedGen C5975714, MONDO:0014629.

Allele frequency attached by ClinVar (database versions not stated): gnomAD exomes below 0.00001; TOPMed below 0.00001.
gnomAD v4.1: 2 of 1,613,840 alleles (0.00012%); highest among the groups gnomAD compares: Non-Finnish European, 0.00017%; no homozygotes.

Submission:

Labcorp Genetics (formerly Invitae), Labcorp
Classification: Uncertain significance for Autoimmune interstitial lung disease-arthritis syndrome. Last evaluated: 2023-12-18. Review status: criteria provided, single submitter. Criteria: Invitae Variant Classification Sherloc (09022015). Collection method: clinical testing. Allele origin: germline.
Comment: This sequence change falls in intron 21 of the COPA gene. It does not directly change the encoded amino acid sequence of the COPA protein. It affects a nucleotide within the consensus splice site. This variant is not present in population databases (gnomAD no frequency). This variant has not been reported in the literature in individuals affected with COPA-related conditions. Variants that disrupt the consensus splice site are a relatively common cause of aberrant splicing (PMID: 17576681, 9536098). Algorithms developed to predict the effect of sequence changes on RNA splicing suggest that this variant is not likely to affect RNA splicing. In summary, the available evidence is currently insufficient to determine the role of this variant in disease. Therefore, it has been classified as a Variant of Uncertain Significance.

Literature cited by the submitters: PubMed 17576681; PubMed 9536098.